The following is an entry in ClinVar:

NM_001321759.2(CDIN1):c.26A>G (p.Asp9Gly)

Gene: CDIN1 (CDAN1 interacting nuclease 1; plus strand). Cytogenetic location: 15q14.
Variant type: single nucleotide variant.
Coding change: c.26A>G on transcript NM_001321759.2 (MANE Select); coding-DNA position 26, A replaced by G.
Protein change: p.Asp9Gly; replaces aspartic acid 9 with glycine.
Molecular consequence: missense variant. On other transcripts: 5 prime UTR variant (2).
Genome position (GRCh38, 1-based): chr15:36,579,886, A>G. VCF-style: chr15-36579886-A-G. GRCh37 (hg19) VCF-style: chr15-36872087-A-G.
Other names: c.26A>G, p.Asp9Gly (NM_001130010.3, NM_001290233.2, NM_001321758.2 and 2 more transcripts); c.-223A>G (NM_001321756.2); c.-378A>G (NM_001321757.2); short protein forms D9G.
Identifiers: ClinVar variation 1309945 (VCV001309945.6), dbSNP rs369346271, ClinGen allele CA7468698.

ClinVar aggregate classification (germline): Conflicting classifications of pathogenicity. Review status: criteria provided, conflicting classifications (1 of 4 stars). 3 submissions from 3 submitters: Uncertain significance (1); Likely benign (2). Last evaluated 2026-02-10.

Conditions:
CDIN1-related disorder. Also called: CDIN1-related condition.

Allele frequency attached by ClinVar (database versions not stated): gnomAD 0.00001 and 0.00018; TOPMed 0.00008; gnomAD exomes 0.00026 and 0.00060; ESP Exome Variant Server 0.00029; ExAC 0.00072; 1000 Genomes Project 30x 0.00078; 1000 Genomes Project 0.00080.
gnomAD v4.1: 412 of 1,613,956 alleles (0.026%); highest among the groups gnomAD compares: South Asian, 0.41%; 2 homozygotes.

Submissions (3):

PreventionGenetics, part of Exact Sciences
Classification: Likely benign for CDIN1-related condition. Last evaluated: 2026-02-10. Review status: criteria provided, single submitter. Criteria: ACMG Guidelines, 2015. Collection method: clinical testing. Allele origin: germline.
Comment: This variant is classified as likely benign based on ACMG/AMP sequence variant interpretation guidelines (Richards et al. 2015 PMID: 25741868, with internal and published modifications).

Labcorp Genetics (formerly Invitae), Labcorp
Classification: Likely benign. Last evaluated: 2025-05-21. Review status: criteria provided, single submitter. Criteria: Invitae Variant Classification Sherloc (09022015). Collection method: clinical testing. Allele origin: germline.

GeneDx
Classification: Uncertain significance. Last evaluated: 2019-11-11. Review status: criteria provided, single submitter. Criteria: GeneDx Variant Classification Process June 2021. Collection method: clinical testing. Allele origin: germline. Affected: yes.
Comment: In silico analysis, which includes protein predictors and evolutionary conservation, supports that this variant does not alter protein structure/function; Has not been previously published as pathogenic or benign to our knowledge